The following is an entry in ClinVar:

ClinVar aggregate classification (germline): Benign. Review status: criteria provided, multiple submitters, no conflicts (2 of 4 stars). 3 submissions from 3 submitters: Benign (3). Last evaluated 2018-06-14.

Conditions:
Hyperphosphatasia with impaired intellectual development syndrome 1. Also called: MABRY SYNDROME; GLYCOSYLPHOSPHATIDYLINOSITOL BIOSYNTHESIS DEFECT 2; Hyperphosphatasia with intellectual disability syndrome 1. Identifiers: Orphanet 247262, MedGen C4551502, MONDO:0009398, OMIM 239300.

Allele frequency attached by ClinVar (database versions not stated): gnomAD 0.05674 and 0.05712; 1000 Genomes Project 30x 0.03763; 1000 Genomes Project 0.03774; TOPMed 0.05242.
gnomAD v4.1: 37,437 of 588,020 alleles (6.4%); highest among the groups gnomAD compares: Non-Finnish European, 7.9%; 1,461 homozygotes.

Submissions (3):

GeneDx
Classification: Benign. Last evaluated: 2018-06-14. Review status: criteria provided, single submitter. Criteria: GeneDx Variant Classification Process June 2021. Collection method: clinical testing. Allele origin: germline. Affected: yes.

Illumina Laboratory Services, Illumina
Classification: Benign for Hyperphosphatasia with impaired intellectual development syndrome 1. Last evaluated: 2018-01-13. Review status: criteria provided, single submitter. Criteria: ICSL Variant Classification Criteria 13 December 2019. Collection method: clinical testing. Allele origin: germline.
Comment: This variant was observed in the ICSL laboratory as part of a predisposition screen in an ostensibly healthy population. It had not been previously curated by ICSL or reported in the Human Gene Mutation Database (HGMD: prior to June 1st, 2018), and was therefore a candidate for classification through an automated scoring system. Utilizing variant allele frequency, disease prevalence and penetrance estimates, and inheritance mode, an automated score was calculated to assess if this variant is too frequent to cause the disease. Based on the score and internal cut-off values, a variant classified as benign is not then subjected to further curation. The score for this variant resulted in a classification of benign for this disease.

Breakthrough Genomics
Classification: Benign. Review status: criteria provided, single submitter. Criteria: ACMG Guidelines, 2015. Collection method: not provided. Allele origin: germline. Inheritance: Autosomal recessive inheritance. Affected: yes.

NM_017837.4(PIGV):c.*210A>G

Gene: PIGV (phosphatidylinositol glycan anchor biosynthesis class V; plus strand). Cytogenetic location: 1p36.11.
Variant type: single nucleotide variant.
Coding change: c.*210A>G on transcript NM_017837.4 (MANE Select); 210 bases downstream of the stop codon, A replaced by G.
Molecular consequence: 3 prime UTR variant. On other transcripts: non-coding transcript variant (2).
Genome position (GRCh38, 1-based): chr1:26,798,054, A>G. VCF-style: chr1-26798054-A-G. GRCh37 (hg19) VCF-style: chr1-27124545-A-G.
Other names: c.*210A>G (NM_001202554.2, NM_001374478.1, NM_001374480.1 and 6 more transcripts).
Identifiers: ClinVar variation 297127 (VCV000297127.8), dbSNP rs57189461, ClinGen allele CA10610052.
Genomic context (GRCh38, chr1:26,798,054, plus strand): 5'-AGAAGTGTCAGACACTAGAGAGCCCCTTCTGGTCCTGGCTAGGGCAAATTTTAGACAACT[A>G]TTTTCTCTGTAAGTGAAGATTGTCGTATTCCAAGTCTAAAATACACCTGGATCTGTCTAG-3'